The following is an entry in ClinVar:

NM_198129.4(LAMA3):c.8028C>T (p.Asn2676=)

Gene: LAMA3 (laminin subunit alpha 3; plus strand). Cytogenetic location: 18q11.2.
Variant type: single nucleotide variant.
Coding change: c.8028C>T on transcript NM_198129.4 (MANE Select); coding-DNA position 8028, C replaced by T.
Protein change: p.Asn2676=; no amino-acid change (asparagine 2676 retained).
Molecular consequence: synonymous variant.
Genome position (GRCh38, 1-based): chr18:23,921,039, C>T. VCF-style: chr18-23921039-C-T. GRCh37 (hg19) VCF-style: chr18-21501003-C-T.
Other names: c.3201C>T, p.Asn1067= (NM_000227.6); c.7860C>T, p.Asn2620= (NM_001127717.4); c.3033C>T, p.Asn1011= (NM_001127718.4).
Identifiers: ClinVar variation 708962 (VCV000708962.57), dbSNP rs35737354, ClinGen allele CA8916808.

ClinVar aggregate classification (germline): Conflicting classifications of pathogenicity. Review status: criteria provided, conflicting classifications (1 of 4 stars). 5 submissions from 4 submitters: Uncertain significance (1); Benign (1); Likely benign (2). 1 of the submissions does not count toward it. Last evaluated 2026-02-04.

Conditions:
Laryngo-onycho-cutaneous syndrome (JEB2C). Also called: SHABBIR SYNDROME; EPIDERMOLYSIS BULLOSA, JUNCTIONAL 2C, LARYNGOONYCHOCUTANEOUS; LOGIC SYNDROME. Identifiers: Orphanet 2407, MedGen C1328355, MONDO:0009513, OMIM 245660.
Junctional epidermolysis bullosa gravis of Herlitz. Also called: Epidermolysis Bullosa Letalis; Herlitz-type junctional epidermolysis bullosa; EPIDERMOLYSIS BULLOSA, JUNCTIONAL 1B, SEVERE; EPIDERMOLYSIS BULLOSA JUNCTIONALIS, HERLITZ TYPE; EPIDERMOLYSIS BULLOSA, JUNCTIONAL, HERLITZ-PEARSON TYPE; JEB-HERLITZ TYPE. Identifiers: Orphanet 79404, MedGen C0079683, MONDO:0009182, OMIM 226700.
LAMA3-related disorder. Also called: LAMA3-related disorders; LAMA3-related condition.

Allele frequency attached by ClinVar (database versions not stated): 1000 Genomes Project 30x 0.00156; 1000 Genomes Project 0.00160; ESP Exome Variant Server 0.00215; TOPMed 0.00217; gnomAD 0.00238 and 0.00240; ExAC 0.00269; gnomAD exomes 0.00271 and 0.00378.
gnomAD v4.1: 5,860 of 1,613,974 alleles (0.36%); highest among the groups gnomAD compares: Middle Eastern, 0.48%; 26 homozygotes.

Submissions (5):

Labcorp Genetics (formerly Invitae), Labcorp
Classification: Benign. Last evaluated: 2026-02-04. Review status: criteria provided, single submitter. Criteria: Invitae Variant Classification Sherloc (09022015). Collection method: clinical testing. Allele origin: germline.

Illumina Laboratory Services, Illumina
Classification: Likely benign for Junctional epidermolysis bullosa gravis of Herlitz. Last evaluated: 2018-01-12. Review status: criteria provided, single submitter. Criteria: ICSL Variant Classification Criteria 13 December 2019. Collection method: clinical testing. Allele origin: germline.
Comment: This variant was observed in the ICSL laboratory as part of a predisposition screen in an ostensibly healthy population. It had not been previously curated by ICSL or reported in the Human Gene Mutation Database (HGMD: prior to June 1st, 2018), and was therefore a candidate for classification through an automated scoring system. Utilizing variant allele frequency, disease prevalence and penetrance estimates, and inheritance mode, an automated score was calculated to assess if this variant is too frequent to cause the disease. Based on the score and internal cut-off values, a variant classified as likely benign is not then subjected to further curation. The score for this variant resulted in a classification of likely benign for this disease.

Illumina Laboratory Services, Illumina
Classification: Likely benign for Laryngo-onycho-cutaneous syndrome. Last evaluated: 2018-01-12. Review status: criteria provided, single submitter. Criteria: ICSL Variant Classification Criteria 13 December 2019. Collection method: clinical testing. Allele origin: germline.
Comment: the same text as in the submission from Illumina Laboratory Services, Illumina above.

CeGaT Center for Human Genetics Tuebingen
Classification: Uncertain significance. Last evaluated: 2017-01-01. Review status: criteria provided, single submitter. Criteria: CeGaT Center For Human Genetics Tuebingen Variant Classification Criteria Version 2. Collection method: clinical testing. Allele origin: germline. Affected: yes. Observed: 1 variant allele.

PreventionGenetics, part of Exact Sciences
Classification: Likely benign for LAMA3-related condition. Last evaluated: 2023-03-02. Review status: no assertion criteria provided. Collection method: clinical testing. Allele origin: germline. Not counted in ClinVar's aggregate classification.
Comment: This variant is classified as likely benign based on ACMG/AMP sequence variant interpretation guidelines (Richards et al. 2015 PMID: 25741868, with internal and published modifications).